The following is an entry in ClinVar:

ClinVar aggregate classification (germline): Likely pathogenic (1 of 4 stars; one submission).

Conditions:
Arterial tortuosity syndrome (ATORS). Identifiers: Orphanet 3342, MedGen C1859726, MONDO:0008818, OMIM 208050.

gnomAD v4.1: 2 of 1,599,796 alleles (0.00013%); highest among the groups gnomAD compares: African/African-American, 0.0029%; no homozygotes.

Submission:

Labcorp Genetics (formerly Invitae), Labcorp
Classification: Likely pathogenic for Arterial tortuosity syndrome. Last evaluated: 2022-05-25. Review status: criteria provided, single submitter. Criteria: Invitae Variant Classification Sherloc (09022015). Collection method: clinical testing. Allele origin: germline.
Comment: This sequence change affects an acceptor splice site in intron 2 of the SLC2A10 gene. It is expected to disrupt RNA splicing. Variants that disrupt the donor or acceptor splice site typically lead to a loss of protein function (PMID: 16199547), and loss-of-function variants in SLC2A10 are known to be pathogenic (PMID: 17935213, 22488877, 23494979). In summary, the currently available evidence indicates that the variant is pathogenic, but additional data are needed to prove that conclusively. Therefore, this variant has been classified as Likely Pathogenic. Algorithms developed to predict the effect of sequence changes on RNA splicing suggest that this variant may disrupt the consensus splice site. This variant has not been reported in the literature in individuals affected with SLC2A10-related conditions. This variant is not present in population databases (gnomAD no frequency).

Literature cited by the submitters: PubMed 16199547; PubMed 17935213; PubMed 22488877; PubMed 23494979.

NM_030777.4(SLC2A10):c.1289-2A>G

Gene: SLC2A10 (solute carrier family 2 member 10; plus strand). Cytogenetic location: 20q13.12.
Variant type: single nucleotide variant.
Coding change: c.1289-2A>G on transcript NM_030777.4 (MANE Select); the canonical splice acceptor site of the intron before coding-DNA position 1289, A replaced by G.
Molecular consequence: splice acceptor variant.
Genome position (GRCh38, 1-based): chr20:46,726,862, A>G. VCF-style: chr20-46726862-A-G. GRCh37 (hg19) VCF-style: chr20-45355501-A-G.
Identifiers: ClinVar variation 2117429 (VCV002117429.4), dbSNP rs2515594540, ClinGen allele CA409271591.